The following is an entry in ClinVar:

NM_000318.3(PEX2):c.794A>G (p.Tyr265Cys)

Gene: PEX2 (peroxisomal biogenesis factor 2; minus strand). Cytogenetic location: 8q21.13.
Variant type: single nucleotide variant.
Coding change: c.794A>G on transcript NM_000318.3 (MANE Select); coding-DNA position 794, A replaced by G.
Protein change: p.Tyr265Cys; replaces tyrosine 265 with cysteine.
Molecular consequence: missense variant.
Genome position (GRCh38, 1-based): chr8:76,983,385, T>C on the plus strand (A>G on the coding strand, the complement: PEX2 is on the minus strand). VCF-style: chr8-76983385-T-C. GRCh37 (hg19) VCF-style: chr8-77895621-T-C.
Other names: c.794A>G, p.Tyr265Cys (NM_001079867.2, NM_001172086.2, NM_001172087.2); short protein forms Y265C.
Identifiers: ClinVar variation 1524271 (VCV001524271.6), dbSNP rs2132043073, ClinGen allele CA371556561.
Genomic context (GRCh38, chr8:76,983,385, plus strand): 5'-GTGCCACACTTAGGACAAGTAAAGTACACGTCAAATAAGAAACTACTCTTAGCACAGAAA[T>C]AACAGAAAATATGCTCACATCCTATGGTGTGAGGCATGGTGGGCCACTCTCCACATAGAG-3'
Protein context (NP_000309.2, residues 255-275): HTIGCEHIFC[Tyr265Cys]FCAKSSFLFD

ClinVar aggregate classification (germline): Uncertain significance (1 of 4 stars; one submission).

Conditions:
Peroxisome biogenesis disorder 5A (Zellweger) (PBD5A). Identifiers: Orphanet 912, MedGen C3553940, MONDO:0013932, OMIM 614866.

gnomAD v4.1: 2 of 1,613,996 alleles (0.00012%); highest among the groups gnomAD compares: Non-Finnish European, 0.00017%; no homozygotes.

Submission:

Labcorp Genetics (formerly Invitae), Labcorp
Classification: Uncertain significance for Peroxisome biogenesis disorder 5A (Zellweger). Last evaluated: 2022-07-06. Review status: criteria provided, single submitter. Criteria: Invitae Variant Classification Sherloc (09022015). Collection method: clinical testing. Allele origin: germline.
Comment: This sequence change replaces tyrosine, which is neutral and polar, with cysteine, which is neutral and slightly polar, at codon 265 of the PEX2 protein (p.Tyr265Cys). This variant is not present in population databases (gnomAD no frequency). In summary, the available evidence is currently insufficient to determine the role of this variant in disease. Therefore, it has been classified as a Variant of Uncertain Significance. Algorithms developed to predict the effect of missense changes on protein structure and function (SIFT, PolyPhen-2, Align-GVGD) all suggest that this variant is likely to be disruptive. ClinVar contains an entry for this variant (Variation ID: 1524271). This variant has not been reported in the literature in individuals affected with PEX2-related conditions.